The following is an entry in ClinVar:

NM_021971.4(GMPPB):c.781C>T (p.Arg261Cys)

Gene: GMPPB (GDP-mannose pyrophosphorylase B; minus strand). Cytogenetic location: 3p21.31.
Variant type: single nucleotide variant.
Coding change: c.781C>T on transcript NM_021971.4 (MANE Select); coding-DNA position 781, C replaced by T.
Protein change: p.Arg261Cys; replaces arginine 261 with cysteine.
Molecular consequence: missense variant.
Genome position (GRCh38, 1-based): chr3:49,722,135, G>A on the plus strand (C>T on the coding strand, the complement: GMPPB is on the minus strand). VCF-style: chr3-49722135-G-A. GRCh37 (hg19) VCF-style: chr3-49759568-G-A.
Other names: c.781C>T, p.Arg261Cys (NM_013334.4); c.781C>T (NM_013334.3); short protein forms R261C.
Identifiers: ClinVar variation 850712 (VCV000850712.14), dbSNP rs746357591, ClinGen allele CA2405437.

ClinVar aggregate classification (germline): Conflicting classifications of pathogenicity. Review status: criteria provided, conflicting classifications (1 of 4 stars). 4 submissions from 4 submitters: Likely pathogenic (1); Uncertain significance (3). Last evaluated 2026-03-27.

Conditions:
Muscular dystrophy-dystroglycanopathy (congenital with brain and eye anomalies), type A14. Also called: Congenital muscular dystrophy-dystroglycanopathy with brain and eye anomalies, type A14; WALKER-WARBURG SYNDROME OR MUSCLE-EYE-BRAIN DISEASE, GMPPB-RELATED; Muscular dystrophy-dystroglycanopathy (congenital with brain and eye anomalies), type a, 14; Congenital Muscular Dystrophy-Dystroglycanopathy with Brain and Eye Anomalies Type A 14. Identifiers: Orphanet 588, MedGen C3809216, MONDO:0014140, OMIM 615350.
Muscular dystrophy-dystroglycanopathy (congenital with impaired intellectual development), type B, 14. Also called: Congenital muscular dystrophy-dystroglycanopathy with mental retardation, type B14; MUSCULAR DYSTROPHY, CONGENITAL, GMPPB-RELATED; Muscular dystrophy-dystroglycanopathy (congenital with intellectual disability), type B14. Identifiers: MedGen C3809221, MONDO:0014141, OMIM 615351.
Autosomal recessive limb-girdle muscular dystrophy type 2T. Also called: Limb-girdle muscular dystrophy-dystroglycanopathy, type C14; MUSCULAR DYSTROPHY-DYSTROGLYCANOPATHY, LIMB-GIRDLE, GMPPB-RELATED; MUSCULAR DYSTROPHY, LIMB-GIRDLE, TYPE 2T; Muscular dystrophy-dystroglycanopathy (limb-girdle), type c, 14. Identifiers: Orphanet 363623, MedGen C4518000, MONDO:0014142, OMIM 615352.

Allele frequency attached by ClinVar (database versions not stated): ExAC 0.00003; gnomAD 0.00001; gnomAD exomes 0.00003 and 0.00002; TOPMed 0.00003.

Submissions (4):

GeneDx
Classification: Likely pathogenic. Last evaluated: 2026-03-27. Review status: criteria provided, single submitter. Criteria: GeneDx Variant Classification Process June 2021. Collection method: clinical testing. Allele origin: germline.
Comment: Published functional studies suggest a damaging effect (partial decrease of enzymatic activity with no demonstrated phenotypic effect on the animal model) (Liu et al., 2021); In silico analysis supports that this missense variant has a deleterious effect on protein structure/function; Not observed at significant frequency in large population cohorts (gnomAD); This variant is associated with the following publications: (PMID: 31211170, 26133662, 35006422)

Revvity Omics, Revvity
Classification: Uncertain significance. Last evaluated: 2024-01-02. Review status: criteria provided, single submitter. Criteria: ACMG Guidelines, 2015. Collection method: clinical testing. Allele origin: germline.

Blueprint Genetics
Classification: Uncertain significance. Last evaluated: 2022-08-08. Review status: criteria provided, single submitter. Criteria: ACMG Guidelines, 2015. Collection method: clinical testing. Allele origin: germline.

Labcorp Genetics (formerly Invitae), Labcorp
Classification: Uncertain significance for Autosomal recessive limb-girdle muscular dystrophy type 2T; Muscular dystrophy-dystroglycanopathy (congenital with brain and eye anomalies), type A14; Muscular dystrophy-dystroglycanopathy (congenital with impaired intellectual development), type B, 14. Last evaluated: 2022-07-05. Review status: criteria provided, single submitter. Criteria: Invitae Variant Classification Sherloc (09022015). Collection method: clinical testing. Allele origin: germline.
Comment: This sequence change replaces arginine, which is basic and polar, with cysteine, which is neutral and slightly polar, at codon 261 of the GMPPB protein (p.Arg261Cys). This variant is present in population databases (rs746357591, gnomAD 0.004%). This missense change has been observed in individual(s) with congenital myasthenic syndrome (PMID: 26133662). ClinVar contains an entry for this variant (Variation ID: 850712). Advanced modeling of protein sequence and biophysical properties (such as structural, functional, and spatial information, amino acid conservation, physicochemical variation, residue mobility, and thermodynamic stability) performed at Invitae indicates that this missense variant is not expected to disrupt GMPPB protein function. Experimental studies have shown that this missense change affects GMPPB function (PMID: 31211170). In summary, the available evidence is currently insufficient to determine the role of this variant in disease. Therefore, it has been classified as a Variant of Uncertain Significance.

Literature cited by the submitters: PubMed 26133662 (cited by Labcorp Genetics (formerly Invitae), Labcorp); PubMed 31211170 (cited by Labcorp Genetics (formerly Invitae), Labcorp).